The following is an entry in ClinVar:

NM_170784.3(MKKS):c.64G>A (p.Val22Ile)

Gene: MKKS (MKKS centrosomal shuttling protein; minus strand). Cytogenetic location: 20p12.2.
Variant type: single nucleotide variant.
Coding change: c.64G>A on transcript NM_170784.3 (MANE Select); coding-DNA position 64, G replaced by A.
Protein change: p.Val22Ile; replaces valine 22 with isoleucine.
Molecular consequence: missense variant.
Genome position (GRCh38, 1-based): chr20:10,413,451, C>T on the plus strand (G>A on the coding strand, the complement: MKKS is on the minus strand). VCF-style: chr20-10413451-C-T. GRCh37 (hg19) VCF-style: chr20-10394099-C-T.
Other names: c.64G>A, p.Val22Ile (NM_018848.3); short protein forms V22I.
Identifiers: ClinVar variation 2078864 (VCV002078864.3), dbSNP rs1250763330, ClinGen allele CA408233903.

ClinVar aggregate classification (germline): Uncertain significance. Review status: criteria provided, multiple submitters, no conflicts (2 of 4 stars). 2 submissions from 2 submitters: Uncertain significance (2). Last evaluated 2025-07-28.

Conditions:
MKKS-related disorder. Also called: MKKS-related disorders; MKKS-related condition.
Bardet-Biedl syndrome (BBS). Identifiers: Orphanet 110, MedGen C0752166, MONDO:0015229.
McKusick-Kaufman syndrome (MKKS). Also called: HYDROMETROCOLPOS SYNDROME; HYDROMETROCOLPOS, POSTAXIAL POLYDACTYLY, AND CONGENITAL HEART MALFORMATION. Identifiers: Orphanet 2473, MedGen C0948368, MONDO:0009367, OMIM 236700.

Allele frequency attached by ClinVar (database versions not stated): gnomAD exomes below 0.00001; gnomAD 0.00001; TOPMed 0.00001.
gnomAD v4.1: 3 of 1,613,884 alleles (0.00019%); highest among the groups gnomAD compares: African/African-American, 0.0027%; no homozygotes.

Submissions (2):

Labcorp Genetics (formerly Invitae), Labcorp
Classification: Uncertain significance for McKusick-Kaufman syndrome; Bardet-Biedl syndrome. Last evaluated: 2025-07-28. Review status: criteria provided, single submitter. Criteria: Invitae Variant Classification Sherloc (09022015). Collection method: clinical testing. Allele origin: germline.
Comment: This sequence change replaces valine, which is neutral and non-polar, with isoleucine, which is neutral and non-polar, at codon 22 of the MKKS protein (p.Val22Ile). This variant is present in population databases (no rsID available, gnomAD 0.007%). This variant has not been reported in the literature in individuals affected with MKKS-related conditions. ClinVar contains an entry for this variant (Variation ID: 2078864). Invitae Evidence Modeling of protein sequence and biophysical properties (such as structural, functional, and spatial information, amino acid conservation, physicochemical variation, residue mobility, and thermodynamic stability) indicates that this missense variant is not expected to disrupt MKKS protein function with a negative predictive value of 95%. In summary, the available evidence is currently insufficient to determine the role of this variant in disease. Therefore, it has been classified as a Variant of Uncertain Significance.

PreventionGenetics, part of Exact Sciences
Classification: Uncertain significance for MKKS-related condition. Last evaluated: 2025-05-19. Review status: criteria provided, single submitter. Criteria: ACMG Guidelines, 2015. Collection method: clinical testing. Allele origin: germline.
Comment: The MKKS c.64G>A variant is predicted to result in the amino acid substitution p.Val22Ile. To our knowledge, this variant has not been reported in the literature. This variant is reported in 0.0062% of alleles in individuals of African descent in gnomAD. At this time, the clinical significance of this variant is uncertain due to the absence of conclusive functional and genetic evidence.